The following is an entry in ClinVar:

NM_000179.3(MSH6):c.1794dup (p.Gly599fs)

Gene: MSH6 (mutS homolog 6; plus strand). Cytogenetic location: 2p16.3.
Variant type: Duplication.
Coding change: c.1794dup on transcript NM_000179.3 (MANE Select); coding-DNA position 1794, one base duplicated (A; older notation c.1794dupA).
Protein change: p.Gly599fs; shifts the reading frame from glycine 599.
Molecular consequence: frameshift variant.
Genome position (GRCh38, 1-based): chr2:47,799,777, A duplicated; the last of 5 consecutive A bases (chr2:47,799,773-47,799,777); duplicating any one gives the same sequence. VCF-style (leftmost placement, unchanged base first): chr2-47799772-G-GA. GRCh37 (hg19) VCF-style: chr2-48026911-G-GA.
Other names: c.1404dup, p.Gly469fs (NM_001281492.2); c.888dup, p.Gly297fs (NM_001281493.2, NM_001281494.2); c.1794dupA (NM_000179.2); short protein forms G599fs, G469fs, G297fs.
Identifiers: ClinVar variation 428341 (VCV000428341.16), dbSNP rs587780670, ClinGen allele CA009198.

ClinVar aggregate classification (germline): Pathogenic. Review status: criteria provided, multiple submitters, no conflicts (2 of 4 stars). 4 submissions from 3 submitters: Pathogenic (3). 1 of the submissions does not count toward it. Last evaluated 2025-03-05.

Conditions:
Lynch syndrome. Identifiers: Orphanet 144, MedGen C4552100, MONDO:0005835. Disease mechanism: loss of function.
Lynch syndrome 5 (LYNCH5). Also called: Hereditary non-polyposis colorectal cancer, type 5; Colorectal cancer, hereditary nonpolyposis, type 5. Identifiers: Orphanet 144, MedGen C1833477, MONDO:0013710, OMIM 614350. Disease mechanism: loss of function.
Hereditary nonpolyposis colorectal neoplasms. Identifiers: MedGen C0009405, MeSH D003123.
Hereditary cancer-predisposing syndrome. Also called: Hereditary Cancer Syndrome; Neoplastic Syndromes, Hereditary; Hereditary neoplastic syndrome; Tumor predisposition. Identifiers: Orphanet 140162, MedGen C0027672, MeSH D009386, MONDO:0015356.

Submissions (4):

Ambry Genetics
Classification: Pathogenic for Hereditary cancer-predisposing syndrome. Last evaluated: 2025-03-05. Review status: criteria provided, single submitter. Criteria: Ambry Variant Classification Scheme 2023. Collection method: clinical testing. Allele origin: germline.
Comment: The c.1794dupA pathogenic mutation, located in coding exon 4 of the MSH6 gene, results from a duplication of A at nucleotide position 1794, causing a translational frameshift with a predicted alternate stop codon (p.G599Rfs*8). This variant is considered to be rare based on population cohorts in the Genome Aggregation Database (gnomAD). This alteration is expected to result in loss of function by premature protein truncation or nonsense-mediated mRNA decay. As such, this alteration is interpreted as a disease-causing mutation.

Myriad Genetics, Inc.
Classification: Pathogenic for Lynch syndrome 5. Last evaluated: 2024-05-14. Review status: criteria provided, single submitter. Criteria: Myriad Autosomal Dominant, Autosomal Recessive and X-Linked Classification Criteria (2023). Collection method: clinical testing. Allele origin: unknown.
Comment: This variant is considered pathogenic. This variant creates a frameshift predicted to result in premature protein truncation.

Labcorp Genetics (formerly Invitae), Labcorp
Classification: Pathogenic for Hereditary nonpolyposis colorectal neoplasms. Last evaluated: 2022-03-05. Review status: criteria provided, single submitter. Criteria: Invitae Variant Classification Sherloc (09022015). Collection method: clinical testing. Allele origin: germline.
Comment: For these reasons, this variant has been classified as Pathogenic. ClinVar contains an entry for this variant (Variation ID: 428341). This premature translational stop signal has been observed in individual(s) with breast and ovarian cancers (PMID: 26270727). This variant is not present in population databases (gnomAD no frequency). This sequence change creates a premature translational stop signal (p.Gly599Argfs*8) in the MSH6 gene. It is expected to result in an absent or disrupted protein product. Loss-of-function variants in MSH6 are known to be pathogenic (PMID: 18269114, 24362816).

Labcorp Genetics (formerly Invitae), Labcorp
Classification: Pathogenic for Lynch syndrome. Last evaluated: 2014-06-11. Review status: no assertion criteria provided. Collection method: clinical testing. Allele origin: germline. Not counted in ClinVar's aggregate classification.
Comment: The interpretation for this sequence variant was made by Invitae based on the ACMG guidelines. A more detailed explanation of the interpretation for this specific variant is forthcoming. This ClinVar entry will be updated at that time.

Literature cited by the submitters: PubMed 26270727 (cited by Ambry Genetics and Labcorp Genetics (formerly Invitae), Labcorp); PubMed 18269114 (cited by Labcorp Genetics (formerly Invitae), Labcorp); PubMed 24362816 (cited by Labcorp Genetics (formerly Invitae), Labcorp).